The following is an entry in ClinVar:

ClinVar aggregate classification (germline): Uncertain significance. Review status: criteria provided, multiple submitters, no conflicts (2 of 4 stars). 4 submissions from 4 submitters: Uncertain significance (4). Last evaluated 2024-09-06.

Conditions:
Curry-Hall syndrome (WAD). Also called: WEYERS ACRODENTAL DYSOSTOSIS. Identifiers: Orphanet 952, MedGen C0457013, MONDO:0008673, OMIM 193530.
Ellis-van Creveld syndrome (EVC). Also called: MESOECTODERMAL DYSPLASIA; Chondroectodermal dysplasia. Identifiers: Orphanet 289, MedGen C0013903, MONDO:0009162, OMIM 225500.

Allele frequency attached by ClinVar (database versions not stated): gnomAD below 0.00001 and 0.00002; TOPMed 0.00001; gnomAD exomes 0.00007 and 0.00015; ExAC 0.00013.
gnomAD v4.1: 102 of 1,614,060 alleles (0.0063%); highest among the groups gnomAD compares: South Asian, 0.11%; no homozygotes.

Submissions (4):

GeneDx
Classification: Uncertain significance. Last evaluated: 2024-09-06. Review status: criteria provided, single submitter. Criteria: GeneDx Variant Classification Process June 2021. Collection method: clinical testing. Allele origin: germline. Affected: yes.
Comment: In silico analysis, which includes protein predictors and evolutionary conservation, supports that this variant does not alter protein structure/function; Has not been previously published as pathogenic or benign to our knowledge

Labcorp Genetics (formerly Invitae), Labcorp
Classification: Uncertain significance for Curry-Hall syndrome; Ellis-van Creveld syndrome. Last evaluated: 2022-04-19. Review status: criteria provided, single submitter. Criteria: Invitae Variant Classification Sherloc (09022015). Collection method: clinical testing. Allele origin: germline.
Comment: This sequence change replaces isoleucine, which is neutral and non-polar, with threonine, which is neutral and polar, at codon 385 of the EVC2 protein (p.Ile385Thr). This variant is present in population databases (rs780517206, gnomAD 0.1%). This variant has not been reported in the literature in individuals affected with EVC2-related conditions. ClinVar contains an entry for this variant (Variation ID: 349090). Algorithms developed to predict the effect of missense changes on protein structure and function are either unavailable or do not agree on the potential impact of this missense change (SIFT: "Deleterious"; PolyPhen-2: "Probably Damaging"; Align-GVGD: "Class C0"). In summary, the available evidence is currently insufficient to determine the role of this variant in disease. Therefore, it has been classified as a Variant of Uncertain Significance.

Blueprint Genetics
Classification: Uncertain significance. Last evaluated: 2021-10-01. Review status: criteria provided, single submitter. Criteria: ACMG Guidelines, 2015. Collection method: clinical testing. Allele origin: germline.

Illumina Laboratory Services, Illumina
Classification: Uncertain significance for Ellis-van Creveld syndrome. Last evaluated: 2018-01-13. Review status: criteria provided, single submitter. Criteria: ICSL Variant Classification Criteria 13 December 2019. Collection method: clinical testing. Allele origin: germline.

NM_147127.5(EVC2):c.1154T>C (p.Ile385Thr)

Genes: EVC2 (EvC ciliary complex subunit 2; minus strand), LOC126806961 (BRD4-independent group 4 enhancer GRCh37_chr4:5641443-5642642; plus strand). Cytogenetic location: 4p16.2.
Variant type: single nucleotide variant.
Coding change: c.1154T>C on transcript NM_147127.5 (MANE Select); coding-DNA position 1154, T replaced by C.
Protein change: p.Ile385Thr; replaces isoleucine 385 with threonine.
Molecular consequence: missense variant.
Genome position (GRCh38, 1-based): chr4:5,640,830, A>G on the plus strand (T>C on the coding strand, the complement: EVC2 is on the minus strand). VCF-style: chr4-5640830-A-G. GRCh37 (hg19) VCF-style: chr4-5642557-A-G.
Other names: c.914T>C, p.Ile305Thr (NM_001166136.2); short protein forms I385T, I305T.
Identifiers: ClinVar variation 349090 (VCV000349090.8), dbSNP rs780517206, ClinGen allele CA2835130.